The following is an entry in ClinVar:

ClinVar aggregate classification (germline): Uncertain significance (1 of 4 stars; one submission).

Conditions:
Peutz-Jeghers syndrome (PJS). Also called: POLYPOSIS, HAMARTOMATOUS INTESTINAL; POLYPS-AND-SPOTS SYNDROME; Peutz-Jeghers polyposis; Periorificial lentiginosis syndrome. Identifiers: Orphanet 2869, MedGen C0031269, MeSH D010580, MONDO:0008280, OMIM 175200.

Submission:

Labcorp Genetics (formerly Invitae), Labcorp
Classification: Uncertain significance for Peutz-Jeghers syndrome. Last evaluated: 2020-11-02. Review status: criteria provided, single submitter. Criteria: Invitae Variant Classification Sherloc (09022015). Collection method: clinical testing. Allele origin: germline.
Comment: This sequence change replaces phenylalanine with isoleucine at codon 148 of the STK11 protein (p.Phe148Ile). The phenylalanine residue is highly conserved and there is a small physicochemical difference between phenylalanine and isoleucine. In summary, the available evidence is currently insufficient to determine the role of this variant in disease. Therefore, it has been classified as a Variant of Uncertain Significance. Advanced modeling of protein sequence and biophysical properties (such as structural, functional, and spatial information, amino acid conservation, physicochemical variation, residue mobility, and thermodynamic stability) performed at Invitae indicates that this missense variant is expected to disrupt STK11 protein function. This variant has not been reported in the literature in individuals with STK11-related conditions. This variant is not present in population databases (ExAC no frequency).

NM_000455.5(STK11):c.442T>A (p.Phe148Ile)

Gene: STK11 (serine/threonine kinase 11; plus strand). Cytogenetic location: 19p13.3.
Variant type: single nucleotide variant.
Coding change: c.442T>A on transcript NM_000455.5 (MANE Select); coding-DNA position 442, T replaced by A.
Protein change: p.Phe148Ile; replaces phenylalanine 148 with isoleucine.
Molecular consequence: missense variant.
Genome position (GRCh38, 1-based): chr19:1,219,391, T>A. VCF-style: chr19-1219391-T-A. GRCh37 (hg19) VCF-style: chr19-1219390-T-A.
Other names: short protein forms F148I.
Identifiers: ClinVar variation 1522136 (VCV001522136.8), dbSNP rs2145422440, ClinGen allele CA402948329.